The following is an entry in ClinVar:

ClinVar aggregate classification (germline): Uncertain significance (1 of 4 stars; one submission).

Submission:

Labcorp Genetics (formerly Invitae), Labcorp
Classification: Uncertain significance. Last evaluated: 2022-03-07. Review status: criteria provided, single submitter. Criteria: Invitae Variant Classification Sherloc (09022015). Collection method: clinical testing. Allele origin: germline.
Comment: In summary, the available evidence is currently insufficient to determine the role of this variant in disease. Therefore, it has been classified as a Variant of Uncertain Significance. Algorithms developed to predict the effect of missense changes on protein structure and function output the following: SIFT: "Tolerated"; PolyPhen-2: "Benign"; Align-GVGD: "Class C0". The serine amino acid residue is found in multiple mammalian species, which suggests that this missense change does not adversely affect protein function. This variant has not been reported in the literature in individuals affected with POLE-related conditions. This variant is not present in population databases (gnomAD no frequency). This sequence change replaces leucine, which is neutral and non-polar, with serine, which is neutral and polar, at codon 46 of the POLE protein (p.Leu46Ser).

NM_006231.4(POLE):c.137T>C (p.Leu46Ser)

Gene: POLE (DNA polymerase epsilon, catalytic subunit; minus strand). Cytogenetic location: 12q24.33.
Variant type: single nucleotide variant.
Coding change: c.137T>C on transcript NM_006231.4 (MANE Select); coding-DNA position 137, T replaced by C.
Protein change: p.Leu46Ser; replaces leucine 46 with serine.
Molecular consequence: missense variant.
Genome position (GRCh38, 1-based): chr12:132,681,205, A>G on the plus strand (T>C on the coding strand, the complement: POLE is on the minus strand). VCF-style: chr12-132681205-A-G. GRCh37 (hg19) VCF-style: chr12-133257791-A-G.
Other names: short protein forms L46S.
Identifiers: ClinVar variation 2084374 (VCV002084374.4), dbSNP rs2542197674, ClinGen allele CA387370092.
Genomic context (GRCh38, chr12:132,681,205, plus strand): 5'-ATGTTAATGAGCCAGCCTGTCTTCTCACCAGGCTCCTTCAGCCGCTCAAAACCAAACCGC[A>G]AATCCATCTTATCCGTCCACTGACTCCGTTCCAGGCGCTTGAGTGCCGAAACTGAGGAAG-3'
Protein context (NP_006222.2, residues 36-56): ERSQWTDKMD[Leu46Ser]RFGFERLKEP